The following is an entry in ClinVar:

NM_015139.3(SLC35D1):c.876+5G>A

Gene: SLC35D1 (solute carrier family 35 member D1; minus strand). Cytogenetic location: 1p31.3.
Variant type: single nucleotide variant.
Coding change: c.876+5G>A on transcript NM_015139.3 (MANE Select); 5 bases into the intron after coding-DNA position 876, G replaced by A.
Molecular consequence: intron variant.
Genome position (GRCh38, 1-based): chr1:67,020,364, C>T on the plus strand (G>A on the coding strand, the complement: SLC35D1 is on the minus strand). VCF-style: chr1-67020364-C-T. GRCh37 (hg19) VCF-style: chr1-67486047-C-T.
Identifiers: ClinVar variation 2115581 (VCV002115581.4), dbSNP rs2524660509, ClinGen allele CA2580063176.

ClinVar aggregate classification (germline): Uncertain significance (1 of 4 stars; one submission).

Conditions:
Schneckenbecken dysplasia. Identifiers: Orphanet 3144, MedGen C0432194, MONDO:0010013, OMIM 269250.

Submission:

Labcorp Genetics (formerly Invitae), Labcorp
Classification: Uncertain significance for Schneckenbecken dysplasia. Last evaluated: 2026-01-06. Review status: criteria provided, single submitter. Criteria: Invitae Variant Classification Sherloc (09022015). Collection method: clinical testing. Allele origin: germline.
Comment: This sequence change falls in intron 10 of the SLC35D1 gene. It does not directly change the encoded amino acid sequence of the SLC35D1 protein. It affects a nucleotide within the consensus splice site. This variant is not present in population databases (gnomAD no frequency). This variant has not been reported in the literature in individuals affected with SLC35D1-related conditions. ClinVar contains an entry for this variant (Variation ID: 2115581). Variants that disrupt the consensus splice site are a relatively common cause of aberrant splicing (PMID: 17576681, 9536098). Algorithms developed to predict the effect of sequence changes on RNA splicing suggest that this variant is not likely to affect RNA splicing. In summary, the available evidence is currently insufficient to determine the role of this variant in disease. Therefore, it has been classified as a Variant of Uncertain Significance.

Literature cited by the submitters: PubMed 17576681; PubMed 9536098.